The following is an entry in ClinVar:

NM_001375567.1(FOCAD):c.1585A>G (p.Ile529Val)

Gene: FOCAD (focadhesin; plus strand). Cytogenetic location: 9p21.3.
Variant type: single nucleotide variant.
Coding change: c.1585A>G on transcript NM_001375567.1 (MANE Select); coding-DNA position 1585, A replaced by G.
Protein change: p.Ile529Val; replaces isoleucine 529 with valine.
Molecular consequence: missense variant.
Genome position (GRCh38, 1-based): chr9:20,820,348, A>G. VCF-style: chr9-20820348-A-G. GRCh37 (hg19) VCF-style: chr9-20820347-A-G.
Other names: c.1480A>G, p.Ile494Val (NM_001375568.1, NM_001375570.1); c.1585A>G, p.Ile529Val (NM_017794.5); short protein forms I529V, I494V.
Identifiers: ClinVar variation 3096173 (VCV003096173.2), dbSNP rs140318156, ClinGen allele CA5006774.

ClinVar aggregate classification (germline): Conflicting classifications of pathogenicity. Review status: criteria provided, conflicting classifications (1 of 4 stars). 2 submissions from 2 submitters: Uncertain significance (1); Likely benign (1). Last evaluated 2025-08-11.

Conditions:
Inborn genetic diseases. Identifiers: MedGen C0950123, MeSH D030342.

Allele frequency attached by ClinVar (database versions not stated): TOPMed 0.00007; ESP Exome Variant Server 0.00008; gnomAD 0.00009; 1000 Genomes Project 30x 0.00031; 1000 Genomes Project 0.00040; gnomAD exomes below 0.00001; ExAC 0.00002.
gnomAD v4.1: 21 of 1,612,550 alleles (0.0013%); highest among the groups gnomAD compares: African/African-American, 0.02%; no homozygotes.

Submissions (2):

Labcorp Genetics (formerly Invitae), Labcorp
Classification: Uncertain significance. Last evaluated: 2025-08-11. Review status: criteria provided, single submitter. Criteria: Invitae Variant Classification Sherloc (09022015). Collection method: clinical testing. Allele origin: germline.
Comment: This sequence change replaces isoleucine, which is neutral and non-polar, with valine, which is neutral and non-polar, at codon 529 of the FOCAD protein (p.Ile529Val). This variant is present in population databases (rs140318156, gnomAD 0.03%). This variant has not been reported in the literature in individuals affected with FOCAD-related conditions. ClinVar contains an entry for this variant (Variation ID: 3096173). An algorithm developed to predict the effect of missense changes on protein structure and function outputs the following: PolyPhen-2: "Not Available". The valine amino acid residue is found in multiple mammalian species, which suggests that this missense change does not adversely affect protein function. In summary, the available evidence is currently insufficient to determine the role of this variant in disease. Therefore, it has been classified as a Variant of Uncertain Significance.

Ambry Genetics
Classification: Likely benign for Inborn genetic diseases. Last evaluated: 2023-11-18. Review status: criteria provided, single submitter. Criteria: Ambry Variant Classification Scheme 2023. Collection method: clinical testing. Allele origin: germline.